The following is an entry in ClinVar:

ClinVar aggregate classification (germline): Likely benign (1 of 4 stars; one submission).

Submission:

CeGaT Center for Human Genetics Tuebingen
Classification: Likely benign. Last evaluated: 2024-03-01. Review status: criteria provided, single submitter. Criteria: CeGaT Center For Human Genetics Tuebingen Variant Classification Criteria Version 2. Collection method: clinical testing. Allele origin: germline. Affected: yes. Observed: 1 variant allele.
Comment: AR: BP4, BP7

NM_000044.6(AR):c.1386C>G (p.Gly462=)

Gene: AR (androgen receptor; plus strand). Cytogenetic location: Xq12.
Variant type: single nucleotide variant.
Coding change: c.1386C>G on transcript NM_000044.6 (MANE Select); coding-DNA position 1386, C replaced by G.
Protein change: p.Gly462=; no amino-acid change (glycine 462 retained).
Molecular consequence: synonymous variant. On other transcripts: 5 prime UTR variant (1).
Genome position (GRCh38, 1-based): chrX:67,546,532, C>G. VCF-style: chrX-67546532-C-G. GRCh37 (hg19) VCF-style: chrX-66766374-C-G.
Other names: c.-398C>G (NM_001011645.3); c.1386C>G, p.Gly462= (NM_001348061.1, NM_001348063.1, NM_001348064.1 and 1 more transcripts).
Identifiers: ClinVar variation 3067406 (VCV003067406.21), dbSNP rs773864324, ClinGen allele CA517048878.